The following is an entry in ClinVar:

NM_080911.3(UNG):c.533+1G>T

Gene: UNG (uracil DNA glycosylase; plus strand). Cytogenetic location: 12q24.11.
Variant type: single nucleotide variant.
Coding change: c.533+1G>T on transcript NM_080911.3 (MANE Select); the canonical splice donor site of the intron after coding-DNA position 533, G replaced by T.
Molecular consequence: splice donor variant.
Genome position (GRCh38, 1-based): chr12:109,102,000, G>T. VCF-style: chr12-109102000-G-T. GRCh37 (hg19) VCF-style: chr12-109539805-G-T.
Other names: c.506+1G>T (NM_003362.4).
Identifiers: ClinVar variation 4751175 (VCV004751175.1).

ClinVar aggregate classification (germline): Likely pathogenic (1 of 4 stars; one submission).

Conditions:
Hyper-IgM syndrome type 5 (HIGM5). Also called: Hyper-IgM Immunodeficiency Syndrome, Type 5. Identifiers: Orphanet 101092, MedGen C1720958, MONDO:0011971, OMIM 608106.

gnomAD v4.1: 2 of 1,613,452 alleles (0.00012%); highest among the groups gnomAD compares: African/African-American, 0.0013%; no homozygotes.

Submission:

Labcorp Genetics (formerly Invitae), Labcorp
Classification: Likely pathogenic for Hyper-IgM syndrome type 5. Last evaluated: 2025-07-17. Review status: criteria provided, single submitter. Criteria: Invitae Variant Classification Sherloc (09022015). Collection method: clinical testing. Allele origin: germline.
Comment: This sequence change affects a donor splice site in intron 4 of the UNG gene. It is expected to disrupt RNA splicing. Variants that disrupt the donor or acceptor splice site typically lead to a loss of protein function (PMID: 16199547), and loss-of-function variants in UNG are known to be pathogenic (PMID: 12958596). This variant is not present in population databases (gnomAD no frequency). This variant has not been reported in the literature in individuals affected with UNG-related conditions. Algorithms developed to predict the effect of sequence changes on RNA splicing suggest that this variant may disrupt the consensus splice site. In summary, the currently available evidence indicates that the variant is pathogenic, but additional data are needed to prove that conclusively. Therefore, this variant has been classified as Likely Pathogenic.

Literature cited by the submitters: PubMed 16199547; PubMed 12958596.